The following is an entry in ClinVar:

ClinVar aggregate classification (germline): Uncertain significance (1 of 4 stars; one submission).

Conditions:
GREB1L-related disorder. Also called: GREB1L-related condition.

Allele frequency attached by ClinVar (database versions not stated): gnomAD exomes below 0.00001.
gnomAD v4.1: 1 of 1,551,260 alleles (0.000064%); highest among the groups gnomAD compares: Non-Finnish European, 0.000087%; no homozygotes.

Submission:

PreventionGenetics, part of Exact Sciences
Classification: Uncertain significance for GREB1L-related condition. Last evaluated: 2022-12-14. Review status: criteria provided, single submitter. Criteria: ACMG Guidelines, 2015. Collection method: clinical testing. Allele origin: germline.
Comment: The GREB1L c.875C>T variant is predicted to result in the amino acid substitution p.Ala292Val. To our knowledge, this variant has not been reported in the literature or in a large population database, indicating this variant is rare. At this time, the clinical significance of this variant is uncertain due to the absence of conclusive functional and genetic evidence.

NM_001142966.3(GREB1L):c.875C>T (p.Ala292Val)

Genes: GREB1L (GREB1 like retinoic acid receptor coactivator; plus strand), GREB1L-AS1 (GREB1L antisense RNA 1; minus strand). Cytogenetic location: 18q11.1.
Variant type: single nucleotide variant.
Coding change: c.875C>T on transcript NM_001142966.3 (MANE Select); coding-DNA position 875, C replaced by T.
Protein change: p.Ala292Val; replaces alanine 292 with valine.
Molecular consequence: missense variant.
Genome position (GRCh38, 1-based): chr18:21,439,563, C>T. VCF-style: chr18-21439563-C-T. GRCh37 (hg19) VCF-style: chr18-19019524-C-T.
Other names: c.1004C>T, p.Ala335Val (NM_001410867.1); c.875C>T, p.Ala292Val (NM_001410868.1); short protein forms A292V, A335V.
Identifiers: ClinVar variation 2629744 (VCV002629744.1), dbSNP rs2511343875, ClinGen allele CA401798502.